The following is an entry in ClinVar:

NM_000297.4(PKD2):c.2272A>G (p.Ile758Val)

Gene: PKD2 (polycystin 2, transient receptor potential cation channel; plus strand). Cytogenetic location: 4q22.1.
Variant type: single nucleotide variant.
Coding change: c.2272A>G on transcript NM_000297.4 (MANE Select); coding-DNA position 2272, A replaced by G.
Protein change: p.Ile758Val; replaces isoleucine 758 with valine.
Molecular consequence: missense variant. On other transcripts: non-coding transcript variant (1).
Genome position (GRCh38, 1-based): chr4:88,065,793, A>G. VCF-style: chr4-88065793-A-G. GRCh37 (hg19) VCF-style: chr4-88986945-A-G.
Other names: c.2272A>G (NM_000297.3); short protein forms I758V.
Identifiers: ClinVar variation 2731594 (VCV002731594.5), dbSNP rs375848428, ClinGen allele CA3004191.

ClinVar aggregate classification (germline): Conflicting classifications of pathogenicity. Review status: criteria provided, conflicting classifications (1 of 4 stars). 3 submissions from 3 submitters: Uncertain significance (2); Likely benign (1). Last evaluated 2025-10-15.

Conditions:
Inborn genetic diseases. Identifiers: MedGen C0950123, MeSH D030342.
Autosomal dominant polycystic kidney disease. Identifiers: Orphanet 730, MedGen C0085413, MONDO:0004691.

Allele frequency attached by ClinVar (database versions not stated): gnomAD 0.00001; gnomAD exomes 0.00001; TOPMed 0.00005; ExAC 0.00007; ESP Exome Variant Server 0.00008; 1000 Genomes Project 30x 0.00031.
gnomAD v4.1: 25 of 1,613,256 alleles (0.0015%); highest among the groups gnomAD compares: East Asian, 0.02%; no homozygotes.

Submissions (3):

Labcorp Genetics (formerly Invitae), Labcorp
Classification: Uncertain significance for Autosomal dominant polycystic kidney disease. Last evaluated: 2025-10-15. Review status: criteria provided, single submitter. Criteria: Invitae Variant Classification Sherloc (09022015). Collection method: clinical testing. Allele origin: germline.
Comment: This sequence change replaces isoleucine, which is neutral and non-polar, with valine, which is neutral and non-polar, at codon 758 of the PKD2 protein (p.Ile758Val). This variant is present in population databases (rs375848428, gnomAD 0.06%), and has an allele count higher than expected for a pathogenic variant. This variant has not been reported in the literature in individuals affected with PKD2-related conditions. ClinVar contains an entry for this variant (Variation ID: 2731594). Invitae Evidence Modeling of protein sequence and biophysical properties (such as structural, functional, and spatial information, amino acid conservation, physicochemical variation, residue mobility, and thermodynamic stability) indicates that this missense variant is not expected to disrupt PKD2 protein function with a negative predictive value of 80%. In summary, the available evidence is currently insufficient to determine the role of this variant in disease. Therefore, it has been classified as a Variant of Uncertain Significance.

Ambry Genetics
Classification: Uncertain significance for Inborn genetic diseases. Last evaluated: 2024-08-27. Review status: criteria provided, single submitter. Criteria: Ambry Variant Classification Scheme 2023. Collection method: clinical testing. Allele origin: germline.

Blueprint Genetics
Classification: Likely benign. Last evaluated: 2024-07-30. Review status: criteria provided, single submitter. Criteria: ACMG Guidelines, 2015. Collection method: clinical testing. Allele origin: germline.

Literature cited by the submitters: PubMed 30369598 (cited by Ambry Genetics).